The following is an entry in ClinVar:

ClinVar aggregate classification (germline): Conflicting classifications of pathogenicity. Review status: criteria provided, conflicting classifications (1 of 4 stars). 3 submissions from 3 submitters: Likely pathogenic (1); Uncertain significance (1). 1 of the submissions does not count toward it. Last evaluated 2026-10-17.

Conditions:
Cerebellar ataxia, impaired intellectual development, and dysequilibrium syndrome 4. Also called: CEREBELLAR ATAXIA AND MENTAL RETARDATION WITH OR WITHOUT QUADRUPEDAL LOCOMOTION 4; Cerebellar ataxia, mental retardation, and dysequilibrium syndrome 4; Cerebellar ataxia, intellectual disability, and dysequilibrium syndrome 4. Identifiers: Orphanet 1766, MedGen C3808977, MONDO:0014104, OMIM 615268.

Allele frequency attached by ClinVar (database versions not stated): gnomAD 0.00001.
gnomAD v4.1: 4 of 1,607,970 alleles (0.00025%); highest among the groups gnomAD compares: Admixed American, 0.0017%; no homozygotes.

Submissions (3):

Department of Molecular Genetics, Istishari Arab Hospital
Classification: Likely pathogenic for Cerebellar ataxia, impaired intellectual development, and dysequilibrium syndrome 4. Last evaluated: 2026-10-17. Review status: criteria provided, single submitter. Criteria: ACMG Guidelines, 2015. Collection method: clinical testing. Allele origin: germline. Inheritance: Autosomal recessive inheritance. Affected: yes.
Comment: The ATP8A2 variant c.1339G>A, p.Gly447Arg creates an amino acid change from Gly to Arg at position 447. This variant is observed at an allele frequency below 0.0001 in gnomAD v4.1. This variant was previously reported in patients with autosomal recessive Cerebellar ataxia, impaired intellectual development, and dysequilibrium syndrome 4 (PMID: 33079427). It is classified as likely pathogenic according to the recommendations of ACMG/AMP/ClinGen SVI guidelines.

GeneDx
Classification: Uncertain significance. Last evaluated: 2022-10-17. Review status: criteria provided, single submitter. Criteria: GeneDx Variant Classification Process June 2021. Collection method: clinical testing. Allele origin: germline. Affected: yes.
Comment: Not observed at significant frequency in large population cohorts (gnomAD); In silico analysis supports that this missense variant has a deleterious effect on protein structure/function; This variant is associated with the following publications: (PMID: 33079427)

OMIM
Classification: Pathogenic for CEREBELLAR ATAXIA, IMPAIRED INTELLECTUAL DEVELOPMENT, AND DYSEQUILIBRIUM SYNDROME 4. Last evaluated: 2023-11-14. Review status: no assertion criteria provided. Collection method: literature only. Allele origin: germline. Not counted in ClinVar's aggregate classification.

Literature cited by the submitters: PubMed 33079427 (cited by Department of Molecular Genetics, Istishari Arab Hospital and OMIM).

NM_016529.6(ATP8A2):c.1339G>A (p.Gly447Arg)

Gene: ATP8A2 (ATPase phospholipid transporting 8A2). Cytogenetic location: 13q12.13.
Variant type: single nucleotide variant.
Coding change: c.1339G>A on transcript NM_016529.6 (MANE Select); coding-DNA position 1339, G replaced by A.
Protein change: p.Gly447Arg; replaces glycine 447 with arginine.
Molecular consequence: missense variant.
Genome position (GRCh38, 1-based): chr13:25,559,048, G>A. VCF-style: chr13-25559048-G-A. GRCh37 (hg19) VCF-style: chr13-26133186-G-A.
Other names: G447R; p.Gly447Arg; c.1339G>A, p.Gly447Arg (NM_001411006.1, NM_001411005.1); c.1219G>A, p.Gly407Arg (NM_001313741.1); short protein forms G407R, G447R.
Identifiers: ClinVar variation 2499390 (VCV002499390.9), dbSNP rs1488656371, ClinGen allele CA387613656.
Genomic context (GRCh38, chr13:25,559,048, plus strand): 5'-TCTGACAAGACTGGAACGCTTACATGCAATATCATGAACTTTAAGAAGTGCAGCATTGCC[G>A]GAGTAACCTATGGGTCAGTGTGTTTATCATTTACTGAAAATTTACTTGTATTCTTTCAAG-3'
Protein context (NP_057613.4, residues 437-457): IMNFKKCSIA[Gly447Arg]VTYGHFPELA